The following is an entry in ClinVar:

NM_000179.3(MSH6):c.3724C>A (p.Arg1242Ser)

Gene: MSH6 (mutS homolog 6; plus strand). Cytogenetic location: 2p16.3.
Variant type: single nucleotide variant.
Coding change: c.3724C>A on transcript NM_000179.3 (MANE Select); coding-DNA position 3724, C replaced by A.
Protein change: p.Arg1242Ser; replaces arginine 1242 with serine.
Molecular consequence: missense variant.
Genome position (GRCh38, 1-based): chr2:47,806,281, C>A. VCF-style: chr2-47806281-C-A. GRCh37 (hg19) VCF-style: chr2-48033420-C-A.
Other names: c.3334C>A, p.Arg1112Ser (NM_001281492.2); c.2818C>A, p.Arg940Ser (NM_001281493.2, NM_001281494.2); short protein forms R1242S, R1112S, R940S.
Identifiers: ClinVar variation 89449 (VCV000089449.40), dbSNP rs587779285, ClinGen allele CA014030.

ClinVar aggregate classification (germline): Conflicting classifications of pathogenicity. Review status: criteria provided, conflicting classifications (1 of 4 stars). 8 submissions from 8 submitters: Likely pathogenic (7); Uncertain significance (1). Last evaluated 2026-05-14.

Conditions:
Mismatch repair cancer syndrome 1 (MMRCS1). Also called: MISMATCH REPAIR DEFICIENCY; MMR DEFICIENCY; BRAIN TUMOR-POLYPOSIS SYNDROME 1; BTP1 SYNDROME; CHILDHOOD CANCER SYNDROME. Identifiers: Orphanet 252202, MedGen C5399763, MONDO:0010159, OMIM 276300. Disease mechanism: loss of function.
Lynch syndrome 5 (LYNCH5). Also called: Hereditary non-polyposis colorectal cancer, type 5; Colorectal cancer, hereditary nonpolyposis, type 5. Identifiers: Orphanet 144, MedGen C1833477, MONDO:0013710, OMIM 614350. Disease mechanism: loss of function.
Hereditary nonpolyposis colorectal neoplasms. Identifiers: MedGen C0009405, MeSH D003123.
Hereditary cancer-predisposing syndrome. Also called: Neoplastic Syndromes, Hereditary; Tumor predisposition; Hereditary Cancer Syndrome; Hereditary neoplastic syndrome. Identifiers: Orphanet 140162, MedGen C0027672, MeSH D009386, MONDO:0015356.
Lynch syndrome. Identifiers: Orphanet 144, MedGen C4552100, MONDO:0005835. Disease mechanism: loss of function.
Endometrial carcinoma. Also called: Endometrial carcinoma, somatic. Identifiers: MedGen C0476089, MONDO:0002447, OMIM 608089, HP:0012114.

Allele frequency attached by ClinVar (database versions not stated): TOPMed below 0.00001; gnomAD 0.00001.
gnomAD v4.1: 2 of 1,613,754 alleles (0.00012%); highest among the groups gnomAD compares: Non-Finnish European, 0.00017%; no homozygotes.

Submissions (8):

Greenwood Genetic Center Diagnostic Laboratories, Greenwood Genetic Center
Classification: Likely pathogenic for Lynch syndrome 5. Last evaluated: 2026-05-14. Review status: criteria provided, single submitter. Criteria: ACMG Guidelines, 2015. Collection method: clinical testing. Allele origin: germline.
Comment: PM2, PM5_Supporting, PP3, PP4

Labcorp Genetics (formerly Invitae), Labcorp
Classification: Likely pathogenic for Hereditary nonpolyposis colorectal neoplasms. Last evaluated: 2026-01-12. Review status: criteria provided, single submitter. Criteria: Invitae Variant Classification Sherloc (09022015). Collection method: clinical testing. Allele origin: germline.
Comment: This sequence change replaces arginine, which is basic and polar, with serine, which is neutral and polar, at codon 1242 of the MSH6 protein (p.Arg1242Ser). This variant is present in population databases (rs587779285, gnomAD 0.007%). This missense change has been observed in individuals with clinical features of Lynch syndrome, and has been frequently observed in cis with MSH6 c.3601C>G (p.Leu1201Val) (PMID: 29875428, 31391288; internal data). ClinVar contains an entry for this variant (Variation ID: 89449). Invitae Evidence Modeling of protein sequence and biophysical properties (such as structural, functional, and spatial information, amino acid conservation, physicochemical variation, residue mobility, and thermodynamic stability) has been performed for this missense variant. However, the output from this modeling did not meet the statistical confidence thresholds required to predict the impact of this variant on MSH6 protein function. This variant disrupts the p.Arg1242 amino acid residue in MSH6. Other variant(s) that disrupt this residue have been determined to be pathogenic (PMID: 17718861, 23729658, 24763289, 24933100). This suggests that this residue is clinically significant, and that variants that disrupt this residue are likely to be disease-causing. In summary, the currently available evidence indicates that the variant is pathogenic, but additional data are needed to prove that conclusively. Therefore, this variant has been classified as Likely Pathogenic.

Ambry Genetics
Classification: Likely pathogenic for Hereditary cancer-predisposing syndrome. Last evaluated: 2025-09-26. Review status: criteria provided, single submitter. Criteria: Ambry Variant Classification Scheme 2023. Collection method: clinical testing. Allele origin: germline.
Comment: The p.R1242S variant (also known as c.3724C>A), located in coding exon 8 of the MSH6 gene, results from a C to A substitution at nucleotide position 3724. The arginine at codon 1242 is replaced by serine, an amino acid with dissimilar properties. The p.L1201V variant (also known as c.3601C>G), located in coding exon 7 of the MSH6 gene, results from a C to G substitution at nucleotide position 3601. The leucine at codon 1201 is replaced by valine, an amino acid with highly similar properties. The p.L1201V and p.R1242S alterations have been observed to be linked in cis and in complete linkage disequilibrium (Ambry internal data). This haplotype has been observed in several individuals diagnosed with Lynch-related tumors in their 40-50s, including individuals who met Amsterdam criteria and with MSI-H colorectal tumors and/or loss of MSH6 on immunohistochemistry (O'Leary et al. Am. J. Digest. Dis. 2014;1(1):62-66; Ambry internal data). This haplotype was also detected in a pediatric patient with high-grade glioma (Crotty EE et al. J Neurooncol, 2020 Jul;148:607-617). Based on internal structural analysis, this haplotype is more destabilizing than known likely pathogenic variants in the same domain. This amino acid position is highly conserved in available vertebrate species. The in silico predictions for p.L1201V and p.R1242S alterations are inconclusive and deleterious, respectively. Based on the majority of available evidence to date, this haplotype is likely to be pathogenic.

Color Diagnostics, LLC DBA Color Health
Classification: Likely pathogenic for Hereditary cancer-predisposing syndrome. Last evaluated: 2025-07-14. Review status: criteria provided, single submitter. Criteria: ACMG Guidelines, 2015. Collection method: clinical testing. Allele origin: germline.
Comment: This missense variant replaces arginine with serine at codon 1242 in the ATPase domain of the MSH6 protein. Computational prediction suggests that this variant may have deleterious impact on protein structure and function. To our knowledge, functional studies have not been reported for this variant. This variant has been reported to be in complete linkage disequilibrium with c.3601C>G (p.Leu1201Val) (ClinVar SCV000276654.6). This haplotype has been observed in multiple individuals affected with Lynch syndrome-associated cancers (PMID: 29875428, 31391288, 34994648O'Leary 2014ClinVar variation ID: 89449), and in an individual affected with constitutional mismatch repair deficiency who carried a pathogenic MSH6 c.3434-2A>G variant on the different chromosome (Alshuaibi et al., ACMG 2016 poster). This p.Arg1242Ser variant has been identified in 1/31406 chromosomes in the general population by the Genome Aggregation Database (gnomAD). It remains a possibility that p.Arg1242Ser and p.Leu1201Val variants in cis may act in synergy to adversely affect MSH6 protein function. However, different missense variants that alter arginine at codon 1242 (p.Arg1242His and p.Arg1242del) are known to be disease-causing, indicating the functional and clinical importance of arginine at this position (ClinVar variation ID: 140866 and 89450). Based on the available evidence, we conclude that the phenotype observed in individuals carrying the double mutant allele may be attributable to the p.Arg1242Ser variant, while the role of p.Leu1201Val variant in disease remains unclear. Therefore, this p.Arg1242Ser variant is classified as Likely Pathogenic.

Quest Diagnostics Nichols Institute San Juan Capistrano
Classification: Uncertain significance. Last evaluated: 2023-08-01. Review status: criteria provided, single submitter. Criteria: Quest Diagnostics criteria. Collection method: clinical testing. Allele origin: unknown.

Baylor Genetics
Classification: Likely pathogenic for Endometrial carcinoma. Last evaluated: 2023-02-21. Review status: criteria provided, single submitter. Criteria: ACMG Guidelines, 2015. Collection method: clinical testing. Allele origin: unknown.

Laboratory for Molecular Medicine, Mass General Brigham Personalized Medicine
Classification: Likely pathogenic for Lynch syndrome. Last evaluated: 2022-07-07. Review status: criteria provided, single submitter. Criteria: ACMG Guidelines, 2015. Collection method: clinical testing. Allele origin: germline. Inheritance: Autosomal dominant inheritance.
Comment: proposed classification - variant undergoing re-assessment, contact laboratory

GeneDx
Classification: Likely pathogenic. Last evaluated: 2019-04-22. Review status: criteria provided, single submitter. Criteria: GeneDx Variant Classification Process June 2021. Collection method: clinical testing. Allele origin: germline. Affected: yes.
Comment: Not observed at a significant frequency in large population cohorts (Lek et al., 2016); This variant is associated with the following publications: (PMID: none, 29875428)

Literature cited by the submitters: PubMed 29875428 (cited by 3 submitters); PubMed 31391288 (cited by 3 submitters); PubMed 17718861 (cited by Labcorp Genetics (formerly Invitae), Labcorp); PubMed 23729658 (cited by Labcorp Genetics (formerly Invitae), Labcorp); PubMed 24763289 (cited by Labcorp Genetics (formerly Invitae), Labcorp and Ambry Genetics); PubMed 24933100 (cited by Labcorp Genetics (formerly Invitae), Labcorp); PubMed 32556862 (cited by Ambry Genetics and Quest Diagnostics Nichols Institute San Juan Capistrano); PubMed 34994648 (cited by Color Diagnostics, LLC DBA Color Health).